The following is an entry in ClinVar:

NM_022552.5(DNMT3A):c.1364A>G (p.Lys455Arg)

Gene: DNMT3A (DNA methyltransferase 3 alpha; minus strand). Cytogenetic location: 2p23.3.
Variant type: single nucleotide variant.
Coding change: c.1364A>G on transcript NM_022552.5 (MANE Select); coding-DNA position 1364, A replaced by G.
Protein change: p.Lys455Arg; replaces lysine 455 with arginine.
Molecular consequence: missense variant. On other transcripts: non-coding transcript variant (1).
Genome position (GRCh38, 1-based): chr2:25,246,225, T>C on the plus strand (A>G on the coding strand, the complement: DNMT3A is on the minus strand). VCF-style: chr2-25246225-T-C. GRCh37 (hg19) VCF-style: chr2-25469094-T-C.
Other names: c.908A>G, p.Lys303Arg (NM_001320893.1); c.695A>G, p.Lys232Arg (NM_001375819.1); c.797A>G, p.Lys266Arg (NM_153759.3); c.1364A>G, p.Lys455Arg (NM_175629.2); short protein forms K232R, K266R, K303R, K455R.
Identifiers: ClinVar variation 4870010 (VCV004870010.1).

ClinVar aggregate classification (germline): Uncertain significance (1 of 4 stars; one submission).

Conditions:
Inborn genetic diseases. Identifiers: MedGen C0950123, MeSH D030342.

gnomAD v4.1: 1 of 1,614,196 alleles (0.000062%); highest among the groups gnomAD compares: Non-Finnish European, 0.000085%; no homozygotes.

Submission:

Ambry Genetics
Classification: Uncertain significance for Inborn genetic diseases. Last evaluated: 2026-04-20. Review status: criteria provided, single submitter. Criteria: Ambry Variant Classification Scheme 2023. Collection method: clinical testing. Allele origin: germline.
Comment: The p.K455R variant (also known as c.1364A>G), located in coding exon 10 of the DNMT3A gene, results from an A to G substitution at nucleotide position 1364. The lysine at codon 455 is replaced by arginine, an amino acid with highly similar properties. This amino acid position is conserved. In addition, the in silico prediction for this alteration is inconclusive. Based on the available evidence, the clinical significance of this variant remains unclear.